The following is an entry in ClinVar:

NM_001379270.1(CNGA1):c.712T>C (p.Ser238Pro)

Genes: CNGA1 (cyclic nucleotide gated channel subunit alpha 1; minus strand), LOC101927157 (uncharacterized LOC101927157; plus strand). Cytogenetic location: 4p12.
Variant type: single nucleotide variant.
Coding change: c.712T>C on transcript NM_001379270.1 (MANE Select); coding-DNA position 712, T replaced by C.
Protein change: p.Ser238Pro; replaces serine 238 with proline.
Molecular consequence: missense variant.
Genome position (GRCh38, 1-based): chr4:47,937,770, A>G on the plus strand (T>C on the coding strand, the complement: CNGA1 is on the minus strand). VCF-style: chr4-47937770-A-G. GRCh37 (hg19) VCF-style: chr4-47939787-A-G.
Other names: c.712T>C, p.Ser238Pro (NM_000087.5, NM_001142564.2); short protein forms S238P.
Identifiers: ClinVar variation 2118787 (VCV002118787.4), dbSNP rs2475753746, ClinGen allele CA356828436.

ClinVar aggregate classification (germline): Uncertain significance (1 of 4 stars; one submission).

Submission:

Labcorp Genetics (formerly Invitae), Labcorp
Classification: Uncertain significance. Last evaluated: 2022-03-28. Review status: criteria provided, single submitter. Criteria: Invitae Variant Classification Sherloc (09022015). Collection method: clinical testing. Allele origin: germline.
Comment: In summary, the available evidence is currently insufficient to determine the role of this variant in disease. Therefore, it has been classified as a Variant of Uncertain Significance. Algorithms developed to predict the effect of missense changes on protein structure and function (SIFT, PolyPhen-2, Align-GVGD) all suggest that this variant is likely to be tolerated. This variant has not been reported in the literature in individuals affected with CNGA1-related conditions. This variant is not present in population databases (gnomAD no frequency). This sequence change replaces serine, which is neutral and polar, with proline, which is neutral and non-polar, at codon 242 of the CNGA1 protein (p.Ser242Pro).